The following is an entry in ClinVar:

ClinVar aggregate classification (germline): Benign (1 of 4 stars; one submission).

Allele frequency attached by ClinVar (database versions not stated): gnomAD exomes 0.08622; ExAC 0.12790; gnomAD 0.15273; TOPMed 0.16660; 1000 Genomes Project 30x 0.21580; 1000 Genomes Project 0.21585.
gnomAD v4.1: 72,365 of 718,880 alleles (10%); highest among the groups gnomAD compares: African/African-American, 34%; 6,540 homozygotes.

Submission:

Unidad de Genómica Garrahan, Hospital de Pediatría Garrahan
Classification: Benign. Last evaluated: 2023-11-12. Review status: criteria provided, single submitter. Criteria: ACMG Guidelines, 2015. Collection method: clinical testing. Allele origin: germline. Affected: no. Observed: 20 variant alleles.
Comment: This variant is classified as Benign based on local population frequency. This variant was detected in 21% of patients studied by a panel of primary immunodeficiencies. Number of patients: 20. Only high quality variants are reported.

NM_001039569.2(AP1S3):c.183-137G>A

Gene: AP1S3 (adaptor related protein complex 1 subunit sigma 3; minus strand). Cytogenetic location: 2q36.1.
Variant type: single nucleotide variant.
Coding change: c.183-137G>A on transcript NM_001039569.2 (MANE Select); 137 bases into the intron before coding-DNA position 183, G replaced by A.
Molecular consequence: intron variant.
Genome position (GRCh38, 1-based): chr2:223,776,146, C>T on the plus strand (G>A on the coding strand, the complement: AP1S3 is on the minus strand). VCF-style: chr2-223776146-C-T. GRCh37 (hg19) VCF-style: chr2-224640863-C-T.
Identifiers: ClinVar variation 2628301 (VCV002628301.2), dbSNP rs11902103, ClinGen allele CA2138384.